The following is an entry in ClinVar:

NM_182961.4(SYNE1):c.20003C>T (p.Ala6668Val)

Gene: SYNE1 (spectrin repeat containing nuclear envelope protein 1; minus strand). Cytogenetic location: 6q25.2.
Variant type: single nucleotide variant.
Coding change: c.20003C>T on transcript NM_182961.4 (MANE Select); coding-DNA position 20003, C replaced by T.
Protein change: p.Ala6668Val; replaces alanine 6668 with valine.
Molecular consequence: missense variant.
Genome position (GRCh38, 1-based): chr6:152,239,597, G>A on the plus strand (C>T on the coding strand, the complement: SYNE1 is on the minus strand). VCF-style: chr6-152239597-G-A. GRCh37 (hg19) VCF-style: chr6-152560732-G-A.
Other names: c.19790C>T, p.Ala6597Val (NM_033071.5); short protein forms A6597V, A6668V.
Identifiers: ClinVar variation 938095 (VCV000938095.9), dbSNP rs1483994641, ClinGen allele CA366126441.

ClinVar aggregate classification (germline): Uncertain significance (1 of 4 stars; one submission).

Conditions:
Emery-Dreifuss muscular dystrophy 4, autosomal dominant (EDMD4). Also called: EMERY-DREIFUSS MUSCULAR DYSTROPHY 4 WITH VARIABLE FEATURES. Identifiers: Orphanet 261, MedGen C2751807, MONDO:0013071, OMIM 612998.
Autosomal recessive ataxia, Beauce type. Also called: Spinocerebellar ataxia, autosomal recessive 8; ATAXIA, RECESSIVE, OF BEAUCE; SYNE1-Related Autosomal Recessive Cerebellar Ataxia; SYNE1 Deficiency. Identifiers: Orphanet 88644, MedGen C1853116, MONDO:0012549, OMIM 610743.

Allele frequency attached by ClinVar (database versions not stated): gnomAD 0.00001; TOPMed 0.00001.
gnomAD v4.1: 1 of 1,614,088 alleles (0.000062%); highest among the groups gnomAD compares: African/African-American, 0.0013%; no homozygotes.

Submission:

Labcorp Genetics (formerly Invitae), Labcorp
Classification: Uncertain significance for Emery-Dreifuss muscular dystrophy 4, autosomal dominant; Autosomal recessive ataxia, Beauce type. Last evaluated: 2019-07-25. Review status: criteria provided, single submitter. Criteria: Invitae Variant Classification Sherloc (09022015). Collection method: clinical testing. Allele origin: germline.
Comment: In summary, the available evidence is currently insufficient to determine the role of this variant in disease. Therefore, it has been classified as a Variant of Uncertain Significance. Algorithms developed to predict the effect of missense changes on protein structure and function output the following: SIFT: "Deleterious"; PolyPhen-2: "Benign"; Align-GVGD: "Class C0". The valine amino acid residue is found in multiple mammalian species, suggesting that this missense change does not adversely affect protein function. These predictions have not been confirmed by published functional studies and their clinical significance is uncertain. This variant has not been reported in the literature in individuals with SYNE1-related conditions. This variant is not present in population databases (ExAC no frequency). This sequence change replaces alanine with valine at codon 6597 of the SYNE1 protein (p.Ala6597Val). The alanine residue is highly conserved and there is a small physicochemical difference between alanine and valine.